The following is an entry in ClinVar:

NM_006265.3(RAD21):c.1543C>G (p.Leu515Val)

Gene: RAD21 (RAD21 cohesin complex component; minus strand). Cytogenetic location: 8q24.11.
Variant type: single nucleotide variant.
Coding change: c.1543C>G on transcript NM_006265.3 (MANE Select); coding-DNA position 1543, C replaced by G.
Protein change: p.Leu515Val; replaces leucine 515 with valine.
Molecular consequence: missense variant.
Genome position (GRCh38, 1-based): chr8:116,850,695, G>C on the plus strand (C>G on the coding strand, the complement: RAD21 is on the minus strand). VCF-style: chr8-116850695-G-C. GRCh37 (hg19) VCF-style: chr8-117862934-G-C.
Other names: short protein forms L515V.
Identifiers: ClinVar variation 3659254 (VCV003659254.2).

ClinVar aggregate classification (germline): Uncertain significance (1 of 4 stars; one submission).

Conditions:
Cornelia de Lange syndrome 4 (CDLS4). Also called: RAD21-Related Cornelia de Lange Syndrome; CORNELIA DE LANGE SYNDROME 4 WITH OR WITHOUT MIDLINE BRAIN DEFECTS. Identifiers: Orphanet 199, MedGen C3553517, MONDO:0013864, OMIM 614701.

gnomAD v4.1: 1 of 1,613,350 alleles (0.000062%); highest among the groups gnomAD compares: Non-Finnish European, 0.000085%; no homozygotes.

Submission:

Labcorp Genetics (formerly Invitae), Labcorp
Classification: Uncertain significance for Cornelia de Lange syndrome 4. Last evaluated: 2024-11-09. Review status: criteria provided, single submitter. Criteria: Invitae Variant Classification Sherloc (09022015). Collection method: clinical testing. Allele origin: germline.
Comment: This sequence change replaces leucine, which is neutral and non-polar, with valine, which is neutral and non-polar, at codon 515 of the RAD21 protein (p.Leu515Val). This variant is present in population databases (no rsID available, gnomAD 0.0009%). This variant has not been reported in the literature in individuals affected with RAD21-related conditions. Invitae Evidence Modeling of protein sequence and biophysical properties (such as structural, functional, and spatial information, amino acid conservation, physicochemical variation, residue mobility, and thermodynamic stability) has been performed for this missense variant. However, the output from this modeling did not meet the statistical confidence thresholds required to predict the impact of this variant on RAD21 protein function. In summary, the available evidence is currently insufficient to determine the role of this variant in disease. Therefore, it has been classified as a Variant of Uncertain Significance.